The following is an entry in ClinVar:

NM_001370466.1(NOD2):c.2444G>A (p.Cys815Tyr)

Gene: NOD2 (nucleotide binding oligomerization domain containing 2; plus strand). Cytogenetic location: 16q12.1.
Variant type: single nucleotide variant.
Coding change: c.2444G>A on transcript NM_001370466.1 (MANE Select); coding-DNA position 2444, G replaced by A.
Protein change: p.Cys815Tyr; replaces cysteine 815 with tyrosine.
Molecular consequence: missense variant. On other transcripts: non-coding transcript variant (1).
Genome position (GRCh38, 1-based): chr16:50,716,649, G>A. VCF-style: chr16-50716649-G-A. GRCh37 (hg19) VCF-style: chr16-50750560-G-A.
Other names: c.2444G>A, p.Cys815Tyr (NM_001293557.2); c.2525G>A, p.Cys842Tyr (NM_022162.3); short protein forms C815Y, C842Y.
Identifiers: ClinVar variation 1020000 (VCV001020000.9), dbSNP rs754471017, ClinGen allele CA8051813.
Genomic context (GRCh38, chr16:50,716,649, plus strand): 5'-TGCGCGATAACAATATCTCAGACCGAGGCATCTGCAAGCTCATTGAATGTGCTCTTCACT[G>A]CGAGCAATTGCAGAAGTTAGCGTAAGTCAGCCTGGGCTGTGGACAATGGGCTCCAAGTGC-3'
Protein context (NP_001357395.1, residues 805-825): ICKLIECALH[Cys815Tyr]EQLQKLALFN

ClinVar aggregate classification (germline): Uncertain significance (1 of 4 stars; one submission).

Conditions:
Blau syndrome (BLAUS). Also called: GRANULOMATOSIS, FAMILIAL JUVENILE SYSTEMIC; GRANULOMATOSIS, FAMILIAL, BLAU TYPE; GRANULOMATOUS INFLAMMATORY ARTHRITIS, DERMATITIS, AND UVEITIS, FAMILIAL; JABS SYNDROME; ARTHROCUTANEOUVEAL GRANULOMATOSIS. Identifiers: Orphanet 90340, MedGen C5201146, MONDO:0008523, OMIM 186580.
Regional enteritis. Also called: Enteritis, Granulomatous. Identifiers: MedGen C0678202, MeSH D003424.

Allele frequency attached by ClinVar (database versions not stated): ExAC 0.00001; gnomAD 0.00001 and 0.00002; gnomAD exomes 0.00001 and 0.00002; TOPMed 0.00001.
gnomAD v4.1: 32 of 1,614,042 alleles (0.002%); highest among the groups gnomAD compares: Non-Finnish European, 0.0027%; no homozygotes.

Submission:

Labcorp Genetics (formerly Invitae), Labcorp
Classification: Uncertain significance for Regional enteritis; Blau syndrome. Last evaluated: 2025-02-25. Review status: criteria provided, single submitter. Criteria: Invitae Variant Classification Sherloc (09022015). Collection method: clinical testing. Allele origin: germline.
Comment: This sequence change replaces cysteine, which is neutral and slightly polar, with tyrosine, which is neutral and polar, at codon 842 of the NOD2 protein (p.Cys842Tyr). This variant is present in population databases (rs754471017, gnomAD 0.002%). This variant has not been reported in the literature in individuals affected with NOD2-related conditions. ClinVar contains an entry for this variant (Variation ID: 1020000). Invitae Evidence Modeling of protein sequence and biophysical properties (such as structural, functional, and spatial information, amino acid conservation, physicochemical variation, residue mobility, and thermodynamic stability) indicates that this missense variant is not expected to disrupt NOD2 protein function with a negative predictive value of 95%. In summary, the available evidence is currently insufficient to determine the role of this variant in disease. Therefore, it has been classified as a Variant of Uncertain Significance.